The following is an entry in ClinVar:

ClinVar aggregate classification (germline): Likely benign (1 of 4 stars; one submission).

gnomAD v4.1: 3 of 1,607,006 alleles (0.00019%); highest among the groups gnomAD compares: African/African-American, 0.0014%; no homozygotes.

Submission:

CeGaT Center for Human Genetics Tuebingen
Classification: Likely benign. Last evaluated: 2025-05-01. Review status: criteria provided, single submitter. Criteria: CeGaT Center For Human Genetics Tuebingen Variant Classification Criteria Version 2. Collection method: clinical testing. Allele origin: germline. Affected: yes. Observed: 2 variant alleles.
Comment: PRAMEF10: BP4, BP7

NM_001039361.4(PRAMEF10):c.477A>G (p.Thr159=)

Gene: PRAMEF10 (PRAME family member 10; minus strand). Cytogenetic location: 1p36.21.
Variant type: single nucleotide variant.
Coding change: c.477A>G on transcript NM_001039361.4 (MANE Select); coding-DNA position 477, A replaced by G.
Protein change: p.Thr159=; no amino-acid change (threonine 159 retained).
Molecular consequence: synonymous variant.
Genome position (GRCh38, 1-based): chr1:12,894,975, T>C on the plus strand (A>G on the coding strand, the complement: PRAMEF10 is on the minus strand). VCF-style: chr1-12894975-T-C. GRCh37 (hg19) VCF-style: chr1-12954806-T-C.
Identifiers: ClinVar variation 3905073 (VCV003905073.10).